The following is an entry in ClinVar:

NM_000038.6(APC):c.7055G>A (p.Ser2352Asn)

Gene: APC (APC regulator of Wnt signaling pathway; plus strand). Cytogenetic location: 5q22.2.
Variant type: single nucleotide variant.
Coding change: c.7055G>A on transcript NM_000038.6 (MANE Select); coding-DNA position 7055, G replaced by A.
Protein change: p.Ser2352Asn; replaces serine 2352 with asparagine.
Molecular consequence: missense variant.
Genome position (GRCh38, 1-based): chr5:112,842,649, G>A. VCF-style: chr5-112842649-G-A. GRCh37 (hg19) VCF-style: chr5-112178346-G-A.
Other names: c.7055G>A, p.Ser2352Asn (NM_001127510.3, NM_001354895.2); c.7001G>A, p.Ser2334Asn (NM_001127511.3); c.7109G>A, p.Ser2370Asn (NM_001354896.2); c.7085G>A, p.Ser2362Asn (NM_001354897.2); c.6980G>A, p.Ser2327Asn (NM_001354898.2); c.6971G>A, p.Ser2324Asn (NM_001354899.2); c.6932G>A, p.Ser2311Asn (NM_001354900.2); c.6878G>A, p.Ser2293Asn (NM_001354901.2); and 5 more; short protein forms S2334N, S2352N, S2192N, S2226N, S2251N, S2261N, S2311N, S2327N.
Identifiers: ClinVar variation 438887 (VCV000438887.7), dbSNP rs1554087958, ClinGen allele CA16036703.
Genomic context (GRCh38, chr5:112,842,649, plus strand): 5'-GTAGAAATGGAATAAGTCCTCCTAACAAATTATCTCAACTTCCAAGGACATCATCCCCTA[G>A]TACTGCTTCAACTAAGTCCTCAGGTTCTGGAAAAATGTCATATACATCTCCAGGTAGACA-3'
Protein context (NP_000029.2, residues 2342-2362): LSQLPRTSSP[Ser2352Asn]TASTKSSGSG

ClinVar aggregate classification (germline): Uncertain significance. Review status: criteria provided, multiple submitters, no conflicts (2 of 4 stars). 4 submissions from 4 submitters: Uncertain significance (4). Last evaluated 2025-04-10.

Conditions:
Hereditary cancer-predisposing syndrome. Also called: Hereditary neoplastic syndrome; Hereditary Cancer Syndrome; Tumor predisposition; Neoplastic Syndromes, Hereditary. Identifiers: Orphanet 140162, MedGen C0027672, MeSH D009386, MONDO:0015356.
Classic or attenuated familial adenomatous polyposis. Identifiers: MedGen CN372698, MONDO:0021057.
Familial adenomatous polyposis 1 (FAP1). Also called: POLYPOSIS, ADENOMATOUS INTESTINAL; FAMILIAL ADENOMATOUS POLYPOSIS 1, ATTENUATED. Identifiers: MedGen C2713442, MONDO:0021056, OMIM 175100. Disease mechanism: loss of function.

Allele frequency attached by ClinVar (database versions not stated): gnomAD exomes 0.00002.
gnomAD v4.1: 25 of 1,613,846 alleles (0.0015%); highest among the groups gnomAD compares: Non-Finnish European, 0.002%; no homozygotes.

Submissions (4):

Ambry Genetics
Classification: Uncertain significance for Hereditary cancer-predisposing syndrome. Last evaluated: 2025-04-10. Review status: criteria provided, single submitter. Criteria: Ambry Variant Classification Scheme 2023. Collection method: clinical testing. Allele origin: germline.
Comment: The p.S2352N variant (also known as c.7055G>A), located in coding exon 15 of the APC gene, results from a G to A substitution at nucleotide position 7055. The serine at codon 2352 is replaced by asparagine, an amino acid with highly similar properties. This amino acid position is highly conserved in available vertebrate species. In addition, in silico predictors for this gene do not accurately predict pathogenicity. Since supporting evidence is limited at this time, the clinical significance of this alteration remains unclear.

All of Us Research Program, National Institutes of Health
Classification: Uncertain significance for Classic or attenuated familial adenomatous polyposis. Last evaluated: 2024-08-06. Review status: criteria provided, single submitter. Criteria: ACMG Guidelines, 2015. Collection method: clinical testing. Allele origin: germline. Inheritance: Autosomal dominant inheritance. Observed: 1 variant allele, 1 heterozygote.
Comment: This study involves interpretation of variants in research participants for the purpose of population health screening. Participant phenotype was not available at the time of variant classification. Additional details can be found in publication PMID: 35346344, PMCID: PMC8962531

Labcorp Genetics (formerly Invitae), Labcorp
Classification: Uncertain significance for Familial adenomatous polyposis 1. Last evaluated: 2022-05-03. Review status: criteria provided, single submitter. Criteria: Invitae Variant Classification Sherloc (09022015). Collection method: clinical testing. Allele origin: germline.
Comment: This sequence change replaces serine, which is neutral and polar, with asparagine, which is neutral and polar, at codon 2352 of the APC protein (p.Ser2352Asn). This variant is not present in population databases (gnomAD no frequency). This variant has not been reported in the literature in individuals affected with APC-related conditions. ClinVar contains an entry for this variant (Variation ID: 438887). Algorithms developed to predict the effect of missense changes on protein structure and function are either unavailable or do not agree on the potential impact of this missense change (SIFT: "Deleterious"; PolyPhen-2: "Probably Damaging"; Align-GVGD: "Class C0"). In summary, the available evidence is currently insufficient to determine the role of this variant in disease. Therefore, it has been classified as a Variant of Uncertain Significance.

Quest Diagnostics Nichols Institute San Juan Capistrano
Classification: Uncertain significance. Last evaluated: 2017-05-08. Review status: criteria provided, single submitter. Criteria: Quest Diagnostics criteria. Collection method: clinical testing. Allele origin: germline.